The following is an entry in ClinVar:

ClinVar aggregate classification (germline): Benign (1 of 4 stars; one submission).

Allele frequency attached by ClinVar (database versions not stated): TOPMed 0.07193; gnomAD 0.07561 and 0.07958; 1000 Genomes Project 30x 0.07761; 1000 Genomes Project 0.08327; gnomAD exomes 0.10536.

Submission:

GeneDx
Classification: Benign. Last evaluated: 2018-06-14. Review status: criteria provided, single submitter. Criteria: GeneDx Variant Classification (06012015). Collection method: clinical testing. Allele origin: germline. Affected: yes.
Comment: This variant is considered likely benign or benign based on one or more of the following criteria: it is a conservative change, it occurs at a poorly conserved position in the protein, it is predicted to be benign by multiple in silico algorithms, and/or has population frequency not consistent with disease.

NM_001105206.3(LAMA4):c.1669-286_1669-285del

Gene: LAMA4 (laminin subunit alpha 4; minus strand). Cytogenetic location: 6q21.
Variant type: Deletion.
Coding change: c.1669-286_1669-285del on transcript NM_001105206.3 (MANE Select); 286 bases into the intron before coding-DNA position 1669 through 285 bases into the intron before coding-DNA position 1669, 2 bases deleted (AT; older notation c.1669-286_1669-285delAT).
Molecular consequence: intron variant.
Genome position (GRCh38, 1-based): chr6:112,159,165-112,159,166, AT deleted on the plus strand (AT on the coding strand, the reverse complement: LAMA4 is on the minus strand). VCF-style (leftmost placement, unchanged base first): chr6-112159164-CAT-C. GRCh37 (hg19) VCF-style: chr6-112480366-CAT-C.
Other names: c.1648-286_1648-285del (NM_002290.5, NM_001105207.3).
Identifiers: ClinVar variation 683584 (VCV000683584.1), dbSNP rs35776093, ClinGen allele CA451589501.